The following is an entry in ClinVar:

NM_014317.5(PDSS1):c.228-260C>A

Gene: PDSS1 (decaprenyl diphosphate synthase subunit 1; plus strand). Cytogenetic location: 10p12.1.
Variant type: single nucleotide variant.
Coding change: c.228-260C>A on transcript NM_014317.5 (MANE Select); 260 bases into the intron before coding-DNA position 228, C replaced by A.
Molecular consequence: intron variant.
Genome position (GRCh38, 1-based): chr10:26,705,026, C>A. VCF-style: chr10-26705026-C-A. GRCh37 (hg19) VCF-style: chr10-26993955-C-A.
Other names: c.-366-260C>A (NM_001321979.2); c.228-260C>A (NM_001321978.2).
Identifiers: ClinVar variation 671583 (VCV000671583.1), dbSNP rs1748355, ClinGen allele CA15639051.

ClinVar aggregate classification (germline): Benign (1 of 4 stars; one submission).

Allele frequency attached by ClinVar (database versions not stated): 1000 Genomes Project 0.45128; 1000 Genomes Project 30x 0.45409; TOPMed 0.51589; gnomAD 0.52106 and 0.52399.
gnomAD v4.1: 79,148 of 151,706 alleles (52%); highest among the groups gnomAD compares: Middle Eastern, 63%; 21,677 homozygotes.

Submission:

GeneDx
Classification: Benign. Last evaluated: 2018-06-14. Review status: criteria provided, single submitter. Criteria: GeneDx Variant Classification (06012015). Collection method: clinical testing. Allele origin: germline. Affected: yes.
Comment: This variant is considered likely benign or benign based on one or more of the following criteria: it is a conservative change, it occurs at a poorly conserved position in the protein, it is predicted to be benign by multiple in silico algorithms, and/or has population frequency not consistent with disease.